The following is an entry in ClinVar:

NM_002336.3(LRP6):c.1753C>T (p.Arg585Ter)

Gene: LRP6 (LDL receptor related protein 6; minus strand). Cytogenetic location: 12p13.2.
Variant type: single nucleotide variant.
Coding change: c.1753C>T on transcript NM_002336.3 (MANE Select); coding-DNA position 1753, C replaced by T.
Protein change: p.Arg585Ter; replaces arginine 585 with a stop codon.
Molecular consequence: nonsense. On other transcripts: non-coding transcript variant (1), intron variant (1).
Genome position (GRCh38, 1-based): chr12:12,165,088, G>A on the plus strand (C>T on the coding strand, the complement: LRP6 is on the minus strand). VCF-style: chr12-12165088-G-A. GRCh37 (hg19) VCF-style: chr12-12318022-G-A.
Other names: c.1753C>T, p.Arg585Ter (NM_001414244.1, NM_001414245.1, NM_001414246.1 and 4 more transcripts); c.1555C>T, p.Arg519Ter (NM_001414247.1); c.1300C>T, p.Arg434Ter (NM_001414252.1, NM_001414253.1, NM_001414254.1); c.1546-2669C>T (NM_001414255.1); short protein forms R434*, R519*, R585*.
Identifiers: ClinVar variation 3661497 (VCV003661497.3).

ClinVar aggregate classification (germline): Pathogenic/Likely pathogenic. Review status: criteria provided, multiple submitters, no conflicts (2 of 4 stars). 2 submissions from 2 submitters: Pathogenic (1); Likely pathogenic (1). Last evaluated 2025-02-09.

Conditions:
LRP6-related disorder. Also called: LRP6-related condition.

Submissions (2):

Labcorp Genetics (formerly Invitae), Labcorp
Classification: Pathogenic. Last evaluated: 2025-02-09. Review status: criteria provided, single submitter. Criteria: Invitae Variant Classification Sherloc (09022015). Collection method: clinical testing. Allele origin: germline.
Comment: This sequence change creates a premature translational stop signal (p.Arg585*) in the LRP6 gene. It is expected to result in an absent or disrupted protein product. Loss-of-function variants in LRP6 are known to be pathogenic (PMID: 26387593). This variant is not present in population databases (gnomAD no frequency). This variant has not been reported in the literature in individuals affected with LRP6-related conditions. For these reasons, this variant has been classified as Pathogenic.

Blueprint Genetics
Classification: Likely pathogenic for LRP6-related disorders. Last evaluated: 2018-07-20. Review status: criteria provided, single submitter. Criteria: ACMG Guidelines, 2015. Collection method: clinical testing. Allele origin: germline. Affected: yes. Observed: 1 variant allele.

Literature cited by the submitters: PubMed 26387593 (cited by Labcorp Genetics (formerly Invitae), Labcorp).